The following is an entry in ClinVar:

ClinVar aggregate classification (germline): Pathogenic (1 of 4 stars; one submission).

Conditions:
Niemann-Pick disease, type C1. Also called: NEUROVISCERAL STORAGE DISEASE WITH VERTICAL SUPRANUCLEAR OPHTHALMOPLEGIA; NIEMANN-PICK DISEASE WITH CHOLESTEROL ESTERIFICATION BLOCK; NIEMANN-PICK DISEASE WITHOUT SPHINGOMYELINASE DEFICIENCY; NIEMANN-PICK DISEASE, CHRONIC NEURONOPATHIC FORM; NIEMANN-PICK DISEASE, VARIANT TYPE C1. Identifiers: Orphanet 646, MedGen C3179455, MONDO:0009757, OMIM 257220.

Submission:

Labcorp Genetics (formerly Invitae), Labcorp
Classification: Pathogenic for Niemann-Pick disease, type C1. Last evaluated: 2024-02-26. Review status: criteria provided, single submitter. Criteria: Invitae Variant Classification Sherloc (09022015). Collection method: clinical testing. Allele origin: germline.
Comment: This sequence change creates a premature translational stop signal (p.Gly910Trpfs*8) in the NPC1 gene. It is expected to result in an absent or disrupted protein product. Loss-of-function variants in NPC1 are known to be pathogenic (PMID: 9211850). This variant is not present in population databases (gnomAD no frequency). This variant has not been reported in the literature in individuals affected with NPC1-related conditions. Algorithms developed to predict the effect of sequence changes on RNA splicing suggest that this variant may disrupt the consensus splice site. For these reasons, this variant has been classified as Pathogenic.

Literature cited by the submitters: PubMed 9211850.

NM_000271.5(NPC1):c.2727_2728insT (p.Gly910fs)

Gene: NPC1 (NPC intracellular cholesterol transporter 1; minus strand). Cytogenetic location: 18q11.2.
Variant type: Insertion.
Coding change: c.2727_2728insT on transcript NM_000271.5 (MANE Select); coding-DNA positions 2727 to 2728, T inserted.
Protein change: p.Gly910fs; shifts the reading frame from glycine 910.
Molecular consequence: frameshift variant.
Genome position: GRCh38 VCF-style: chr18-23539878-C-CA. GRCh37 (hg19) VCF-style: chr18-21119842-C-CA.
Other names: short protein forms G910fs.
Identifiers: ClinVar variation 3643389 (VCV003643389.2).